The following is an entry in ClinVar:

ClinVar aggregate classification (germline): Uncertain significance. Review status: criteria provided, multiple submitters, no conflicts (2 of 4 stars). 3 submissions from 3 submitters: Uncertain significance (3). Last evaluated 2023-04-06.

Conditions:
Inborn genetic diseases. Identifiers: MedGen C0950123, MeSH D030342.

gnomAD v4.1: 3 of 1,613,224 alleles (0.00019%); highest among the groups gnomAD compares: Non-Finnish European, 0.00017%; no homozygotes.

Submissions (3):

Ambry Genetics
Classification: Uncertain significance for Inborn genetic diseases. Last evaluated: 2023-04-06. Review status: criteria provided, single submitter. Criteria: Ambry Variant Classification Scheme 2023. Collection method: clinical testing. Allele origin: germline.

Labcorp Genetics (formerly Invitae), Labcorp
Classification: Uncertain significance. Last evaluated: 2022-09-20. Review status: criteria provided, single submitter. Criteria: Invitae Variant Classification Sherloc (09022015). Collection method: clinical testing. Allele origin: germline.
Comment: This sequence change replaces arginine, which is basic and polar, with leucine, which is neutral and non-polar, at codon 1034 of the PCDH15 protein (p.Arg1034Leu). This variant is not present in population databases (gnomAD no frequency). This variant has not been reported in the literature in individuals affected with PCDH15-related conditions. ClinVar contains an entry for this variant (Variation ID: 1331229). Advanced modeling of protein sequence and biophysical properties (such as structural, functional, and spatial information, amino acid conservation, physicochemical variation, residue mobility, and thermodynamic stability) performed at Invitae indicates that this missense variant is not expected to disrupt PCDH15 protein function. Algorithms developed to predict the effect of sequence changes on RNA splicing suggest that this variant may create or strengthen a splice site. In summary, the available evidence is currently insufficient to determine the role of this variant in disease. Therefore, it has been classified as a Variant of Uncertain Significance.

GeneDx
Classification: Uncertain significance. Last evaluated: 2021-06-29. Review status: criteria provided, single submitter. Criteria: GeneDx Variant Classification Process June 2021. Collection method: clinical testing. Allele origin: germline. Affected: yes.
Comment: Not observed at significant frequency in large population cohorts (Lek et al., 2016); In silico analysis supports that this missense variant does not alter protein structure/function; Has not been previously published as pathogenic or benign to our knowledge; In-silico analysis is inconclusive as to whether the variant alters gene splicing. In the absence of RNA/functional studies, the actual effect of this sequence change is unknown.; This variant is associated with the following publications: (PMID: 27535533)

NM_001384140.1(PCDH15):c.3101G>T (p.Arg1034Leu)

Gene: PCDH15 (protocadherin related 15; minus strand). Cytogenetic location: 10q21.1.
Variant type: single nucleotide variant.
Coding change: c.3101G>T on transcript NM_001384140.1 (MANE Select); coding-DNA position 3101, G replaced by T.
Protein change: p.Arg1034Leu; replaces arginine 1034 with leucine.
Molecular consequence: missense variant.
Genome position (GRCh38, 1-based): chr10:53,959,753, C>A on the plus strand (G>T on the coding strand, the complement: PCDH15 is on the minus strand). VCF-style: chr10-53959753-C-A. GRCh37 (hg19) VCF-style: chr10-55719513-C-A.
Other names: c.3116G>T, p.Arg1039Leu (NM_001142763.2, NM_001142771.2); c.3101G>T, p.Arg1034Leu (NM_001142764.2, NM_001142766.2, NM_001142770.3 and 4 more transcripts); c.2888G>T, p.Arg963Leu (NM_001142765.2); c.2990G>T, p.Arg997Leu (NM_001142767.2); c.3035G>T, p.Arg1012Leu (NM_001142768.2, NM_001142773.2, NM_001354404.2); c.3137G>T, p.Arg1046Leu (NM_001142769.4); c.3122G>T, p.Arg1041Leu (NM_001354411.2); short protein forms R1012L, R1034L, R1039L, R1041L, R1046L, R963L, R997L.
Identifiers: ClinVar variation 1331229 (VCV001331229.5), dbSNP rs907693214, ClinGen allele CA376520815.
Genomic context (GRCh38, chr10:53,959,753, plus strand): 5'-AACATTTCGTGTATTTCAAAATCGGACAGAAATCAATACCTATATTCCTCCTGTGTGAAG[C>A]GTGGGATCTCACCAGGATGTAAGACAAGAATCTTCACTGTGGCACTGCTGGACATCACAG-3'
Protein context (NP_001371069.1, residues 1024-1044): ILVLHPGEIP[Arg1034Leu]FTQEEYRPPP